The following is an entry in ClinVar:

NM_021076.4(NEFH):c.916G>A (p.Val306Met)

Gene: NEFH (neurofilament heavy chain; plus strand). Cytogenetic location: 22q12.2.
Variant type: single nucleotide variant.
Coding change: c.916G>A on transcript NM_021076.4 (MANE Select); coding-DNA position 916, G replaced by A.
Protein change: p.Val306Met; replaces valine 306 with methionine.
Molecular consequence: missense variant.
Genome position (GRCh38, 1-based): chr22:29,483,407, G>A. VCF-style: chr22-29483407-G-A. GRCh37 (hg19) VCF-style: chr22-29879396-G-A.
Other names: short protein forms V306M.
Identifiers: ClinVar variation 1766037 (VCV001766037.5), dbSNP rs745359122, ClinGen allele CA10174063.

ClinVar aggregate classification (germline): Uncertain significance. Review status: criteria provided, multiple submitters, no conflicts (2 of 4 stars). 2 submissions from 2 submitters: Uncertain significance (2). Last evaluated 2023-03-27.

Conditions:
Inborn genetic diseases. Identifiers: MedGen C0950123, MeSH D030342.

Allele frequency attached by ClinVar (database versions not stated): gnomAD exomes below 0.00001; TOPMed below 0.00001; ExAC 0.00001; gnomAD 0.00001.

Submissions (2):

Labcorp Genetics (formerly Invitae), Labcorp
Classification: Uncertain significance. Last evaluated: 2023-03-27. Review status: criteria provided, single submitter. Criteria: Invitae Variant Classification Sherloc (09022015). Collection method: clinical testing. Allele origin: germline.
Comment: This sequence change replaces valine, which is neutral and non-polar, with methionine, which is neutral and non-polar, at codon 306 of the NEFH protein (p.Val306Met). This variant is present in population databases (rs745359122, gnomAD 0.01%). This variant has not been reported in the literature in individuals affected with NEFH-related conditions. ClinVar contains an entry for this variant (Variation ID: 1766037). Advanced modeling of protein sequence and biophysical properties (such as structural, functional, and spatial information, amino acid conservation, physicochemical variation, residue mobility, and thermodynamic stability) performed at Invitae indicates that this missense variant is not expected to disrupt NEFH protein function. In summary, the available evidence is currently insufficient to determine the role of this variant in disease. Therefore, it has been classified as a Variant of Uncertain Significance.

Ambry Genetics
Classification: Uncertain significance for Inborn genetic diseases. Last evaluated: 2022-01-10. Review status: criteria provided, single submitter. Criteria: Ambry Variant Classification Scheme 2023. Collection method: clinical testing. Allele origin: germline.
Comment: The p.V306M variant (also known as c.916G>A), located in coding exon 2 of the NEFH gene, results from a G to A substitution at nucleotide position 916. The valine at codon 306 is replaced by methionine, an amino acid with highly similar properties. This amino acid position is well conserved in available vertebrate species. In addition, this alteration is predicted to be tolerated by in silico analysis. Since supporting evidence is limited at this time, the clinical significance of this alteration remains unclear.